The following is an entry in ClinVar:

ClinVar aggregate classification (germline): Uncertain significance (1 of 4 stars; one submission).

gnomAD v4.1: 5 of 1,614,140 alleles (0.00031%); highest among the groups gnomAD compares: Non-Finnish European, 0.00042%; no homozygotes.

Submission:

Labcorp Genetics (formerly Invitae), Labcorp
Classification: Uncertain significance. Last evaluated: 2025-06-11. Review status: criteria provided, single submitter. Criteria: Invitae Variant Classification Sherloc (09022015). Collection method: clinical testing. Allele origin: germline.
Comment: This sequence change replaces proline, which is neutral and non-polar, with leucine, which is neutral and non-polar, at codon 589 of the FLNB protein (p.Pro589Leu). This variant is not present in population databases (gnomAD no frequency). This variant has not been reported in the literature in individuals affected with FLNB-related conditions. Invitae Evidence Modeling of protein sequence and biophysical properties (such as structural, functional, and spatial information, amino acid conservation, physicochemical variation, residue mobility, and thermodynamic stability) indicates that this missense variant is not expected to disrupt FLNB protein function with a negative predictive value of 95%. In summary, the available evidence is currently insufficient to determine the role of this variant in disease. Therefore, it has been classified as a Variant of Uncertain Significance.

NM_001457.4(FLNB):c.1766C>T (p.Pro589Leu)

Gene: FLNB (filamin B; plus strand). Cytogenetic location: 3p14.3.
Variant type: single nucleotide variant.
Coding change: c.1766C>T on transcript NM_001457.4 (MANE Select); coding-DNA position 1766, C replaced by T.
Protein change: p.Pro589Leu; replaces proline 589 with leucine.
Molecular consequence: missense variant.
Genome position (GRCh38, 1-based): chr3:58,106,698, C>T. VCF-style: chr3-58106698-C-T. GRCh37 (hg19) VCF-style: chr3-58092425-C-T.
Other names: c.1766C>T, p.Pro589Leu (NM_001164317.2, NM_001164318.2, NM_001164319.2); short protein forms P589L.
Identifiers: ClinVar variation 4801689 (VCV004801689.1).
Genomic context (GRCh38, chr3:58,106,698, plus strand): 5'-CCACCATATAACCAGGGAGACCCTTCCACCTCCACCCCCTAGGGTTTGCCATTGAAGGCC[C>T]CTCTCAGGCAAAGATTGAGTACAACGACCAGAATGATGGATCGTGTGATGTCAAATACTG-3'
Protein context (NP_001448.2, residues 579-599): VGSLGFAIEG[Pro589Leu]SQAKIEYNDQ